The following is an entry in ClinVar:

NM_003185.4(TAF4):c.3212G>A (p.Arg1071His)

Gene: TAF4 (TATA-box binding protein associated factor 4; minus strand). Cytogenetic location: 20q13.33.
Variant type: single nucleotide variant.
Coding change: c.3212G>A on transcript NM_003185.4 (MANE Select); coding-DNA position 3212, G replaced by A.
Protein change: p.Arg1071His; replaces arginine 1071 with histidine.
Molecular consequence: missense variant.
Genome position (GRCh38, 1-based): chr20:61,976,214, C>T on the plus strand (G>A on the coding strand, the complement: TAF4 is on the minus strand). VCF-style: chr20-61976214-C-T. GRCh37 (hg19) VCF-style: chr20-60551270-C-T.
Other names: short protein forms R1071H.
Identifiers: ClinVar variation 5040947 (VCV005040947.1).

ClinVar aggregate classification (germline): Likely benign (1 of 4 stars; one submission).

gnomAD v4.1: 354 of 1,614,100 alleles (0.022%); highest among the groups gnomAD compares: Admixed American, 0.55%; 3 homozygotes.

Submission:

CeGaT Center for Human Genetics Tuebingen
Classification: Likely benign. Last evaluated: 2026-09-01. Review status: criteria provided, single submitter. Criteria: CeGaT Center For Human Genetics Tuebingen Variant Classification Criteria Version 2. Collection method: clinical testing. Allele origin: germline. Affected: yes. Observed: 1 variant allele.
Comment: TAF4: PP2, BS2